The following is an entry in ClinVar:

ClinVar aggregate classification (germline): Uncertain significance (1 of 4 stars; one submission).

Allele frequency attached by ClinVar (database versions not stated): gnomAD exomes below 0.00001; ExAC 0.00002.
gnomAD v4.1: 6 of 1,611,964 alleles (0.00037%); highest among the groups gnomAD compares: Non-Finnish European, 0.00042%; no homozygotes.

Submission:

Labcorp Genetics (formerly Invitae), Labcorp
Classification: Uncertain significance. Last evaluated: 2022-12-06. Review status: criteria provided, single submitter. Criteria: Invitae Variant Classification Sherloc (09022015). Collection method: clinical testing. Allele origin: germline.
Comment: In summary, the available evidence is currently insufficient to determine the role of this variant in disease. Therefore, it has been classified as a Variant of Uncertain Significance. Advanced modeling of protein sequence and biophysical properties (such as structural, functional, and spatial information, amino acid conservation, physicochemical variation, residue mobility, and thermodynamic stability) has been performed at Invitae for this missense variant, however the output from this modeling did not meet the statistical confidence thresholds required to predict the impact of this variant on COCH protein function. This variant has not been reported in the literature in individuals affected with COCH-related conditions. This variant is present in population databases (rs748019236, gnomAD 0.003%). This sequence change replaces methionine, which is neutral and non-polar, with valine, which is neutral and non-polar, at codon 440 of the COCH protein (p.Met440Val).

NM_004086.3(COCH):c.1318A>G (p.Met440Val)

Genes: COCH (cochlin; plus strand), COCH-AS1 (COCH antisense RNA 1; minus strand). Cytogenetic location: 14q12.
Variant type: single nucleotide variant.
Coding change: c.1318A>G on transcript NM_004086.3 (MANE Select); coding-DNA position 1318, A replaced by G.
Protein change: p.Met440Val; replaces methionine 440 with valine.
Molecular consequence: missense variant. On other transcripts: non-coding transcript variant (1).
Genome position (GRCh38, 1-based): chr14:30,886,153, A>G. VCF-style: chr14-30886153-A-G. GRCh37 (hg19) VCF-style: chr14-31355359-A-G.
Other names: c.1318A>G, p.Met440Val (NM_001135058.2); c.1513A>G, p.Met505Val (NM_001347720.2); short protein forms M440V, M505V.
Identifiers: ClinVar variation 1934018 (VCV001934018.5), dbSNP rs748019236, ClinGen allele CA7143303.